The following is an entry in ClinVar:

NM_001128425.2(MUTYH):c.190G>T (p.Ala64Ser)

Gene: MUTYH (mutY DNA glycosylase; minus strand). Cytogenetic location: 1p34.1.
Variant type: single nucleotide variant.
Coding change: c.190G>T on transcript NM_001128425.2 (MANE Plus Clinical); coding-DNA position 190, G replaced by T.
Protein change: p.Ala64Ser; replaces alanine 64 with serine.
Molecular consequence: missense variant. On other transcripts: intron variant (10).
Genome position (GRCh38, 1-based): chr1:45,333,571, C>A on the plus strand (G>T on the coding strand, the complement: MUTYH is on the minus strand). VCF-style: chr1-45333571-C-A. GRCh37 (hg19) VCF-style: chr1-45799243-C-A.
Other names: c.139G>T, p.Ala47Ser (NM_001293191.2); c.181G>T, p.Ala61Ser (NM_012222.3); c.-92-74G>T (NM_001350651.2); c.-97-74G>T (NM_001293192.2, NM_001293196.2); c.-156-10G>T (NM_001350650.2); c.116-10G>T (NM_001048171.2, NM_001048173.2, NM_001048174.2 and 1 more transcripts); c.158-7G>T (NM_001293190.2); c.116-7G>T (NM_001048172.2); short protein forms A61S, A47S, A64S.
Identifiers: ClinVar variation 1036182 (VCV001036182.13), dbSNP rs1645387931, ClinGen allele CA340136760.
Genomic context (GRCh38, chr1:45,333,571, plus strand): 5'-ATGAGGAGACAGAGGCCTGCAATACCACCTCTTCCGGCTGCCTGGCCAGGCCTGCTGGGG[C>A]CCCAGGACACTCAGCAATCATCCCTGCACAGGCTGTGCATCAGGGTCTTGGGACACAGCA-3'
Protein context (NP_001121897.1, residues 54-74): CAGMIAECPG[Ala64Ser]PAGLARQPEE

ClinVar aggregate classification (germline): Uncertain significance. Review status: criteria provided, multiple submitters, no conflicts (2 of 4 stars). 2 submissions from 2 submitters: Uncertain significance (2). Last evaluated 2025-06-09.

Conditions:
Familial adenomatous polyposis 2. Also called: Adenomas, multiple colorectal; MUTYH Polyposis; COLORECTAL ADENOMATOUS POLYPOSIS, AUTOSOMAL RECESSIVE; ADENOMAS, MULTIPLE COLORECTAL, AUTOSOMAL RECESSIVE; FAP type 2; MUTYH-associated polyposis. Identifiers: Orphanet 220460, Orphanet 247798, MedGen C3272841, MONDO:0012041, OMIM 608456.
Hereditary cancer-predisposing syndrome. Also called: Neoplastic Syndromes, Hereditary; Hereditary Cancer Syndrome; Hereditary neoplastic syndrome; Tumor predisposition. Identifiers: Orphanet 140162, MedGen C0027672, MeSH D009386, MONDO:0015356.

Submissions (2):

Ambry Genetics
Classification: Uncertain significance for Hereditary cancer-predisposing syndrome. Last evaluated: 2025-06-09. Review status: criteria provided, single submitter. Criteria: Ambry Variant Classification Scheme 2023. Collection method: clinical testing. Allele origin: germline.
Comment: The p.A64S variant (also known as c.190G>T), located in coding exon 3 of the MUTYH gene, results from a G to T substitution at nucleotide position 190. The alanine at codon 64 is replaced by serine, an amino acid with similar properties. This amino acid position is not well conserved in available vertebrate species. In addition, this alteration is predicted to be tolerated by in silico analysis. Since supporting evidence is limited at this time, the clinical significance of this alteration remains unclear.

Labcorp Genetics (formerly Invitae), Labcorp
Classification: Uncertain significance for Familial adenomatous polyposis 2. Last evaluated: 2024-07-02. Review status: criteria provided, single submitter. Criteria: Invitae Variant Classification Sherloc (09022015). Collection method: clinical testing. Allele origin: germline.
Comment: This sequence change replaces alanine, which is neutral and non-polar, with serine, which is neutral and polar, at codon 64 of the MUTYH protein (p.Ala64Ser). This variant is not present in population databases (gnomAD no frequency). This variant has not been reported in the literature in individuals affected with MUTYH-related conditions. ClinVar contains an entry for this variant (Variation ID: 1036182). An algorithm developed to predict the effect of missense changes on protein structure and function (PolyPhen-2) suggests that this variant is likely to be tolerated. Algorithms developed to predict the effect of sequence changes on RNA splicing suggest that this variant may create or strengthen a splice site. In summary, the available evidence is currently insufficient to determine the role of this variant in disease. Therefore, it has been classified as a Variant of Uncertain Significance.